The following is an entry in ClinVar:

NM_181741.4(ORC4):c.225+32C>T

Gene: ORC4 (origin recognition complex subunit 4; minus strand). Cytogenetic location: 2q23.1.
Variant type: single nucleotide variant.
Coding change: c.225+32C>T on transcript NM_181741.4 (MANE Select); 32 bases into the intron after coding-DNA position 225, C replaced by T.
Molecular consequence: intron variant.
Genome position (GRCh38, 1-based): chr2:147,972,707, G>A on the plus strand (C>T on the coding strand, the complement: ORC4 is on the minus strand). VCF-style: chr2-147972707-G-A. GRCh37 (hg19) VCF-style: chr2-148730276-G-A.
Other names: c.225+32C>T (NM_181742.4, NM_001190879.3, NM_002552.5 and 1 more transcripts); c.-27-13841C>T (NM_001190881.3); c.3+32C>T (NM_001190882.3); c.-93+32C>T (NM_001374272.1).
Identifiers: ClinVar variation 5006081 (VCV005006081.2).
Genomic context (GRCh38, chr2:147,972,707, plus strand): 5'-CATAAAATAAGATTTATATATGAATTTATTTATTCTTATATAAAATAAGAATCATCACAT[G>A]CCAACAAACACCAGAAATCAACAGCTTTTACCATAGTTTTTCCTGATCCTCGGGGTCCGA-3'

ClinVar aggregate classification (germline): Uncertain significance (1 of 4 stars; one submission).

Conditions:
Meier-Gorlin syndrome 2 (MGORS2). Identifiers: Orphanet 2554, MedGen C3151097, MONDO:0013428, OMIM 613800.

gnomAD v4.1: 4 of 1,284,444 alleles (0.00031%); highest among the groups gnomAD compares: South Asian, 0.0012%; no homozygotes.

Submission:

Juno Genomics, Hangzhou Juno Genomics, Inc
Classification: Uncertain significance for Meier-Gorlin syndrome 2. Review status: criteria provided, single submitter. Criteria: ACMG Guidelines, 2015. Collection method: clinical testing. Allele origin: germline.
Comment: Absent from controls (or at extremely low frequency if recessive) in Genome Aggregation Database.;Multiple lines of computational evidence support a deleterious effect on the gene or gene product.